The following is an entry in ClinVar:

ClinVar aggregate classification (germline): Uncertain significance (1 of 4 stars; one submission).

gnomAD v4.1: 7 of 1,613,740 alleles (0.00043%); highest among the groups gnomAD compares: African/African-American, 0.0053%; no homozygotes.

Submission:

Labcorp Genetics (formerly Invitae), Labcorp
Classification: Uncertain significance. Last evaluated: 2024-02-11. Review status: criteria provided, single submitter. Criteria: Invitae Variant Classification Sherloc (09022015). Collection method: clinical testing. Allele origin: germline.
Comment: This sequence change replaces glycine, which is neutral and non-polar, with glutamic acid, which is acidic and polar, at codon 870 of the ERBB4 protein (p.Gly870Glu). This variant is present in population databases (no rsID available, gnomAD 0.003%). This variant has not been reported in the literature in individuals affected with ERBB4-related conditions. Advanced modeling of protein sequence and biophysical properties (such as structural, functional, and spatial information, amino acid conservation, physicochemical variation, residue mobility, and thermodynamic stability) performed at Invitae indicates that this missense variant is not expected to disrupt ERBB4 protein function with a negative predictive value of 80%. In summary, the available evidence is currently insufficient to determine the role of this variant in disease. Therefore, it has been classified as a Variant of Uncertain Significance.

NM_005235.3(ERBB4):c.2609G>A (p.Gly870Glu)

Gene: ERBB4 (erb-b2 receptor tyrosine kinase 4; minus strand). Cytogenetic location: 2q34.
Variant type: single nucleotide variant.
Coding change: c.2609G>A on transcript NM_005235.3 (MANE Select); coding-DNA position 2609, G replaced by A.
Protein change: p.Gly870Glu; replaces glycine 870 with glutamic acid.
Molecular consequence: missense variant.
Genome position (GRCh38, 1-based): chr2:211,430,979, C>T on the plus strand (G>A on the coding strand, the complement: ERBB4 is on the minus strand). VCF-style: chr2-211430979-C-T. GRCh37 (hg19) VCF-style: chr2-212295704-C-T.
Other names: c.2609G>A, p.Gly870Glu (NM_001042599.2); short protein forms G870E.
Identifiers: ClinVar variation 3609438 (VCV003609438.2).